The following is an entry in ClinVar:

NM_000236.3(LIPC):c.1453G>A (p.Val485Met)

Gene: LIPC (lipase C, hepatic type; plus strand). Cytogenetic location: 15q21.3.
Variant type: single nucleotide variant.
Coding change: c.1453G>A on transcript NM_000236.3 (MANE Select); coding-DNA position 1453, G replaced by A.
Protein change: p.Val485Met; replaces valine 485 with methionine.
Molecular consequence: missense variant.
Genome position (GRCh38, 1-based): chr15:58,568,780, G>A. VCF-style: chr15-58568780-G-A. GRCh37 (hg19) VCF-style: chr15-58860979-G-A.
Other names: short protein forms V485M.
Identifiers: ClinVar variation 1520372 (VCV001520372.6), dbSNP rs375455752, ClinGen allele CA271705376.

ClinVar aggregate classification (germline): Uncertain significance (1 of 4 stars; one submission).

Allele frequency attached by ClinVar (database versions not stated): gnomAD exomes below 0.00001 and 0.00001; gnomAD 0.00001; TOPMed 0.00001; ESP Exome Variant Server 0.00008.
gnomAD v4.1: 19 of 1,610,506 alleles (0.0012%); highest among the groups gnomAD compares: East Asian, 0.0045%; no homozygotes.

Submission:

Labcorp Genetics (formerly Invitae), Labcorp
Classification: Uncertain significance. Last evaluated: 2022-07-19. Review status: criteria provided, single submitter. Criteria: Invitae Variant Classification Sherloc (09022015). Collection method: clinical testing. Allele origin: germline.
Comment: ClinVar contains an entry for this variant (Variation ID: 1520372). This variant has not been reported in the literature in individuals affected with LIPC-related conditions. The frequency data for this variant in the population databases is considered unreliable, as metrics indicate poor data quality at this position in the gnomAD database. This sequence change replaces valine, which is neutral and non-polar, with methionine, which is neutral and non-polar, at codon 485 of the LIPC protein (p.Val485Met). Algorithms developed to predict the effect of missense changes on protein structure and function are either unavailable or do not agree on the potential impact of this missense change (SIFT: "Deleterious"; PolyPhen-2: "Probably Damaging"; Align-GVGD: "Class C0"). In summary, the available evidence is currently insufficient to determine the role of this variant in disease. Therefore, it has been classified as a Variant of Uncertain Significance.